The following is an entry in ClinVar:

NM_001271.4(CHD2):c.1774C>T (p.Leu592Phe)

Gene: CHD2 (chromodomain helicase DNA binding protein 2; plus strand). Cytogenetic location: 15q26.1.
Variant type: single nucleotide variant.
Coding change: c.1774C>T on transcript NM_001271.4 (MANE Select); coding-DNA position 1774, C replaced by T.
Protein change: p.Leu592Phe; replaces leucine 592 with phenylalanine.
Molecular consequence: missense variant.
Genome position (GRCh38, 1-based): chr15:92,955,477, C>T. VCF-style: chr15-92955477-C-T. GRCh37 (hg19) VCF-style: chr15-93498707-C-T.
Other names: short protein forms L592F.
Identifiers: ClinVar variation 1420552 (VCV001420552.6), dbSNP rs2141814881, ClinGen allele CA393905663.
Genomic context (GRCh38, chr15:92,955,477, plus strand): 5'-TTATAGATACGGGAATATGAATGGATTCATTCCCAAACCAAAAGATTGAAGTTCAACGCA[C>T]TTATAACAACATATGAGATCCTCTTGAAAGATAAGGTGTGTAATTAATATCTAAAAGGCT-3'
Protein context (NP_001262.3, residues 582-602): SQTKRLKFNA[Leu592Phe]ITTYEILLKD

ClinVar aggregate classification (germline): Uncertain significance (1 of 4 stars; one submission).

Conditions:
Developmental and epileptic encephalopathy 94 (DEE94). Also called: CHD2-Related Neurodevelopmental Disorders; Epileptic encephalopathy, childhood-onset. Identifiers: Orphanet 1942, Orphanet 2382, MedGen C3809278, MONDO:0014150, OMIM 615369.

Allele frequency attached by ClinVar (database versions not stated): gnomAD exomes below 0.00001.
gnomAD v4.1: 2 of 1,597,678 alleles (0.00013%); highest among the groups gnomAD compares: East Asian, 0.0023%; no homozygotes.

Submission:

Labcorp Genetics (formerly Invitae), Labcorp
Classification: Uncertain significance for Developmental and epileptic encephalopathy 94. Last evaluated: 2021-10-12. Review status: criteria provided, single submitter. Criteria: Invitae Variant Classification Sherloc (09022015). Collection method: clinical testing. Allele origin: germline.
Comment: This variant has not been reported in the literature in individuals affected with CHD2-related conditions. In summary, the available evidence is currently insufficient to determine the role of this variant in disease. Therefore, it has been classified as a Variant of Uncertain Significance. Advanced modeling of protein sequence and biophysical properties (such as structural, functional, and spatial information, amino acid conservation, physicochemical variation, residue mobility, and thermodynamic stability) performed at Invitae indicates that this missense variant is expected to disrupt CHD2 protein function. This variant is not present in population databases (ExAC no frequency). This sequence change replaces leucine with phenylalanine at codon 592 of the CHD2 protein (p.Leu592Phe). The leucine residue is highly conserved and there is a small physicochemical difference between leucine and phenylalanine.